The following is an entry in ClinVar:

NM_014915.3(ANKRD26):c.1523A>G (p.Asn508Ser)

Gene: ANKRD26 (ankyrin repeat domain containing 26; minus strand). Cytogenetic location: 10p12.1.
Variant type: single nucleotide variant.
Coding change: c.1523A>G on transcript NM_014915.3 (MANE Select); coding-DNA position 1523, A replaced by G.
Protein change: p.Asn508Ser; replaces asparagine 508 with serine.
Molecular consequence: missense variant.
Genome position (GRCh38, 1-based): chr10:27,060,386, T>C on the plus strand (A>G on the coding strand, the complement: ANKRD26 is on the minus strand). VCF-style: chr10-27060386-T-C. GRCh37 (hg19) VCF-style: chr10-27349315-T-C.
Other names: c.1523A>G, p.Asn508Ser (NM_001256053.2); short protein forms N508S.
Identifiers: ClinVar variation 3868540 (VCV003868540.1).
Genomic context (GRCh38, chr10:27,060,386, plus strand): 5'-TATATATTGCAACATTTACCTGCTTTGGATGTTTGTACATCCTTCATTCCTCCTGCTTTA[T>C]TTGGAACAGAATCTTTCATTTCAATGGTAGGCTGAATGGGTTTTGAAACAAAATGATTAA-3'
Protein context (NP_055730.2, residues 498-518): PTIEMKDSVP[Asn508Ser]KAGGMKDVQT

ClinVar aggregate classification (germline): Uncertain significance (1 of 4 stars; one submission).

Conditions:
Inborn genetic diseases. Identifiers: MedGen C0950123, MeSH D030342.

Submission:

Ambry Genetics
Classification: Uncertain significance for Inborn genetic diseases. Last evaluated: 2025-03-03. Review status: criteria provided, single submitter. Criteria: Ambry Variant Classification Scheme 2023. Collection method: clinical testing. Allele origin: germline.
Comment: The p.N508S variant (also known as c.1523A>G), located in coding exon 15 of the ANKRD26 gene, results from an A to G substitution at nucleotide position 1523. The asparagine at codon 508 is replaced by serine, an amino acid with highly similar properties. This amino acid position is conserved. In addition, this alteration is predicted to be tolerated by in silico analysis. Based on the available evidence, the clinical significance of this variant remains unclear.